The following is an entry in ClinVar:

NM_021224.6(ZNF462):c.429del (p.Val144fs)

Gene: ZNF462 (zinc finger protein 462; plus strand). Cytogenetic location: 9q31.2.
Variant type: Deletion.
Coding change: c.429del on transcript NM_021224.6 (MANE Select); coding-DNA position 429, one base deleted (T; older notation c.429delT).
Protein change: p.Val144fs; shifts the reading frame from valine 144.
Molecular consequence: frameshift variant.
Genome position (GRCh38, 1-based): chr9:106,924,341, T deleted. VCF-style (leftmost placement, unchanged base first): chr9-106924340-CT-C. GRCh37 (hg19) VCF-style: chr9-109686621-CT-C.
Other names: c.429del, p.Val144fs (NM_001347997.2); short protein forms V144fs.
Identifiers: ClinVar variation 4755597 (VCV004755597.1).

ClinVar aggregate classification (germline): Pathogenic (1 of 4 stars; one submission).

Submission:

GeneDx
Classification: Pathogenic. Last evaluated: 2025-08-08. Review status: criteria provided, single submitter. Criteria: GeneDx Variant Classification Process June 2021. Collection method: clinical testing. Allele origin: germline. Affected: yes.
Comment: Frameshift variant predicted to result in protein truncation or nonsense mediated decay in a gene for which loss of function is a known mechanism of disease; Not observed at significant frequency in large population cohorts (gnomAD); Has not been previously published as pathogenic or benign to our knowledge